The following is an entry in ClinVar:

ClinVar aggregate classification (germline): Uncertain significance. Review status: criteria provided, multiple submitters, no conflicts (2 of 4 stars). 2 submissions from 2 submitters: Uncertain significance (2). Last evaluated 2023-08-04.

Conditions:
Inborn genetic diseases. Identifiers: MedGen C0950123, MeSH D030342.

Allele frequency attached by ClinVar (database versions not stated): ExAC 0.00001; TOPMed 0.00001; gnomAD exomes 0.00004.
gnomAD v4.1: 66 of 1,611,456 alleles (0.0041%); highest among the groups gnomAD compares: Non-Finnish European, 0.0055%; no homozygotes.

Submissions (2):

Ambry Genetics
Classification: Uncertain significance for Inborn genetic diseases. Last evaluated: 2023-08-04. Review status: criteria provided, single submitter. Criteria: Ambry Variant Classification Scheme 2023. Collection method: clinical testing. Allele origin: germline.

Labcorp Genetics (formerly Invitae), Labcorp
Classification: Uncertain significance. Last evaluated: 2022-05-06. Review status: criteria provided, single submitter. Criteria: Invitae Variant Classification Sherloc (09022015). Collection method: clinical testing. Allele origin: germline.
Comment: This sequence change replaces isoleucine, which is neutral and non-polar, with leucine, which is neutral and non-polar, at codon 431 of the PNPLA8 protein (p.Ile431Leu). This variant is present in population databases (rs766217075, gnomAD 0.0009%). This variant has not been reported in the literature in individuals affected with PNPLA8-related conditions. Algorithms developed to predict the effect of missense changes on protein structure and function (SIFT, PolyPhen-2, Align-GVGD) all suggest that this variant is likely to be tolerated. In summary, the available evidence is currently insufficient to determine the role of this variant in disease. Therefore, it has been classified as a Variant of Uncertain Significance.

NM_001256007.3(PNPLA8):c.1291A>C (p.Ile431Leu)

Gene: PNPLA8 (patatin like domain 8, phospholipase A2; minus strand). Cytogenetic location: 7q31.1.
Variant type: single nucleotide variant.
Coding change: c.1291A>C on transcript NM_001256007.3 (MANE Select); coding-DNA position 1291, A replaced by C.
Protein change: p.Ile431Leu; replaces isoleucine 431 with leucine.
Molecular consequence: missense variant.
Genome position (GRCh38, 1-based): chr7:108,502,558, T>G on the plus strand (A>C on the coding strand, the complement: PNPLA8 is on the minus strand). VCF-style: chr7-108502558-T-G. GRCh37 (hg19) VCF-style: chr7-108143002-T-G.
Other names: c.991A>C, p.Ile331Leu (NM_001256011.3, NM_001256010.3); c.1291A>C, p.Ile431Leu (NM_015723.5, NM_001256008.3, NM_001256009.3); c.1291A>C (NM_015723.2); short protein forms I431L, I331L.
Identifiers: ClinVar variation 1939964 (VCV001939964.5), dbSNP rs766217075, ClinGen allele CA4439636.